The following is an entry in ClinVar:

ClinVar aggregate classification (germline): Uncertain significance (1 of 4 stars; one submission).

Conditions:
Usher syndrome type 3B. Also called: USHER SYNDROME, TYPE IIIB. Identifiers: MedGen C3281066, MONDO:0013788, OMIM 614504.

Allele frequency attached by ClinVar (database versions not stated): TOPMed 0.00001; ExAC 0.00002.
gnomAD v4.1: 8 of 1,612,464 alleles (0.0005%); highest among the groups gnomAD compares: Admixed American, 0.0017%; no homozygotes.

Submission:

Labcorp Genetics (formerly Invitae), Labcorp
Classification: Uncertain significance for Usher syndrome type 3B. Last evaluated: 2023-11-06. Review status: criteria provided, single submitter. Criteria: Invitae Variant Classification Sherloc (09022015). Collection method: clinical testing. Allele origin: germline.
Comment: This sequence change replaces glutamic acid, which is acidic and polar, with glutamine, which is neutral and polar, at codon 197 of the HARS protein (p.Glu197Gln). This variant is present in population databases (rs747711899, gnomAD 0.003%). This variant has not been reported in the literature in individuals affected with HARS-related conditions. Advanced modeling of protein sequence and biophysical properties (such as structural, functional, and spatial information, amino acid conservation, physicochemical variation, residue mobility, and thermodynamic stability) performed at Invitae indicates that this missense variant is not expected to disrupt HARS protein function with a negative predictive value of 80%. In summary, the available evidence is currently insufficient to determine the role of this variant in disease. Therefore, it has been classified as a Variant of Uncertain Significance.

NM_002109.6(HARS1):c.589G>C (p.Glu197Gln)

Gene: HARS1 (histidyl-tRNA synthetase 1; minus strand). Cytogenetic location: 5q31.3.
Variant type: single nucleotide variant.
Coding change: c.589G>C on transcript NM_002109.6 (MANE Select); coding-DNA position 589, G replaced by C.
Protein change: p.Glu197Gln; replaces glutamic acid 197 with glutamine.
Molecular consequence: missense variant.
Genome position (GRCh38, 1-based): chr5:140,677,949, C>G on the plus strand (G>C on the coding strand, the complement: HARS1 is on the minus strand). VCF-style: chr5-140677949-C-G. GRCh37 (hg19) VCF-style: chr5-140057534-C-G.
Other names: c.469G>C, p.Glu157Gln (NM_001258040.3); c.529G>C, p.Glu177Gln (NM_001258041.3); c.409G>C, p.Glu137Gln (NM_001258042.3); c.367G>C, p.Glu123Gln (NM_001289092.2); c.247G>C, p.Glu83Gln (NM_001289093.2); c.502G>C, p.Glu168Gln (NM_001289094.2); short protein forms E157Q, E197Q, E123Q, E137Q, E177Q, E168Q, E83Q.
Identifiers: ClinVar variation 2712655 (VCV002712655.3), dbSNP rs747711899, ClinGen allele CA3444062.